The following is an entry in ClinVar:

NM_022489.4(INF2):c.2489+117C>T

Gene: INF2 (inverted formin 2; plus strand). Cytogenetic location: 14q32.33.
Variant type: single nucleotide variant.
Coding change: c.2489+117C>T on transcript NM_022489.4 (MANE Select); 117 bases into the intron after coding-DNA position 2489, C replaced by T.
Molecular consequence: intron variant.
Genome position (GRCh38, 1-based): chr14:104,711,816, C>T. VCF-style: chr14-104711816-C-T. GRCh37 (hg19) VCF-style: chr14-105178153-C-T.
Other names: c.2489+117C>T (NM_001031714.4).
Identifiers: ClinVar variation 681943 (VCV000681943.1), dbSNP rs4983533, ClinGen allele CA13972634.

ClinVar aggregate classification (germline): Benign (1 of 4 stars; one submission).

Allele frequency attached by ClinVar (database versions not stated): gnomAD 0.58806 and 0.59331; TOPMed 0.60623; 1000 Genomes Project 0.69409; 1000 Genomes Project 30x 0.69472.
gnomAD v4.1: 517,759 of 898,640 alleles (58%); highest among the groups gnomAD compares: East Asian, 91%; 152,439 homozygotes.

Submission:

GeneDx
Classification: Benign. Last evaluated: 2018-06-14. Review status: criteria provided, single submitter. Criteria: GeneDx Variant Classification (06012015). Collection method: clinical testing. Allele origin: germline. Affected: yes.
Comment: This variant is considered likely benign or benign based on one or more of the following criteria: it is a conservative change, it occurs at a poorly conserved position in the protein, it is predicted to be benign by multiple in silico algorithms, and/or has population frequency not consistent with disease.